The following is an entry in ClinVar:

NM_000038.6(APC):c.282T>C (p.Arg94=)

Gene: APC (APC regulator of Wnt signaling pathway; plus strand). Cytogenetic location: 5q22.2.
Variant type: single nucleotide variant.
Coding change: c.282T>C on transcript NM_000038.6 (MANE Select); coding-DNA position 282, T replaced by C.
Protein change: p.Arg94=; no amino-acid change (arginine 94 retained).
Molecular consequence: synonymous variant. On other transcripts: 5 prime UTR variant (1).
Genome position (GRCh38, 1-based): chr5:112,767,250, T>C. VCF-style: chr5-112767250-T-C. GRCh37 (hg19) VCF-style: chr5-112102947-T-C.
Other names: c.207T>C, p.Arg69= (NM_001354898.2, NM_001354904.2); c.282T>C, p.Arg94= (NM_001354903.2, NM_001354899.2, NM_001127510.3 and 2 more transcripts); c.105T>C, p.Arg35= (NM_001354900.2, NM_001354901.2, NM_001354905.2); c.312T>C, p.Arg104= (NM_001354902.2, NM_001127511.3, NM_001354897.2); c.-754T>C (NM_001354906.2).
Identifiers: ClinVar variation 630846 (VCV000630846.12), dbSNP rs1485825595, ClinGen allele CA445753236.

ClinVar aggregate classification (germline): Benign/Likely benign. Review status: criteria provided, multiple submitters, no conflicts (2 of 4 stars). 4 submissions from 4 submitters: Benign (1); Likely benign (3). Last evaluated 2026-02-02.

Conditions:
Hereditary cancer-predisposing syndrome. Also called: Tumor predisposition; Neoplastic Syndromes, Hereditary; Hereditary neoplastic syndrome; Hereditary Cancer Syndrome. Identifiers: Orphanet 140162, MedGen C0027672, MeSH D009386, MONDO:0015356.
Familial adenomatous polyposis 1 (FAP1). Also called: POLYPOSIS, ADENOMATOUS INTESTINAL; FAMILIAL ADENOMATOUS POLYPOSIS 1, ATTENUATED. Identifiers: MedGen C2713442, MONDO:0021056, OMIM 175100. Disease mechanism: loss of function.

Allele frequency attached by ClinVar (database versions not stated): gnomAD exomes below 0.00001.
gnomAD v4.1: 3 of 1,614,178 alleles (0.00019%); highest among the groups gnomAD compares: South Asian, 0.0033%; no homozygotes.

Submissions (4):

Labcorp Genetics (formerly Invitae), Labcorp
Classification: Likely benign for Familial adenomatous polyposis 1. Last evaluated: 2026-02-02. Review status: criteria provided, single submitter. Criteria: Invitae Variant Classification Sherloc (09022015). Collection method: clinical testing. Allele origin: germline.

Ambry Genetics
Classification: Likely benign for Hereditary cancer-predisposing syndrome. Last evaluated: 2025-12-13. Review status: criteria provided, single submitter. Criteria: Ambry Variant Classification Scheme 2023. Collection method: clinical testing. Allele origin: germline.

Myriad Genetics, Inc.
Classification: Benign for Familial adenomatous polyposis 1. Last evaluated: 2024-02-22. Review status: criteria provided, single submitter. Criteria: Myriad Autosomal Dominant, Autosomal Recessive and X-Linked Classification Criteria (2023). Collection method: clinical testing. Allele origin: unknown.
Comment: This variant is considered benign. This variant is a silent/synonymous amino acid change and it is not expected to impact splicing.

Color Diagnostics, LLC DBA Color Health
Classification: Likely benign for Hereditary cancer-predisposing syndrome. Last evaluated: 2017-11-20. Review status: criteria provided, single submitter. Criteria: ACMG Guidelines, 2015. Collection method: clinical testing. Allele origin: germline.